The following is an entry in ClinVar:

NM_004646.4(NPHS1):c.1440+1G>A

Gene: NPHS1 (NPHS1 adhesion molecule, nephrin; minus strand). Cytogenetic location: 19q13.12.
Variant type: single nucleotide variant.
Coding change: c.1440+1G>A on transcript NM_004646.4 (MANE Select); the canonical splice donor site of the intron after coding-DNA position 1440, G replaced by A.
Molecular consequence: splice donor variant.
Genome position (GRCh38, 1-based): chr19:35,848,040, C>T on the plus strand (G>A on the coding strand, the complement: NPHS1 is on the minus strand). VCF-style: chr19-35848040-C-T. GRCh37 (hg19) VCF-style: chr19-36338942-C-T.
Identifiers: ClinVar variation 2736868 (VCV002736868.4), dbSNP rs766278192, ClinGen allele CA405403477.

ClinVar aggregate classification (germline): Pathogenic. Review status: criteria provided, multiple submitters, no conflicts (2 of 4 stars). 2 submissions from 2 submitters: Pathogenic (2). Last evaluated 2024-03-18.

Conditions:
Finnish congenital nephrotic syndrome (NPHS1). Also called: NEPHROTIC SYNDROME, TYPE 1. Identifiers: Orphanet 839, MedGen C0403399, MONDO:0009732, OMIM 256300.

gnomAD v4.1: 7 of 1,613,824 alleles (0.00043%); highest among the groups gnomAD compares: Non-Finnish European, 0.00059%; no homozygotes.

Submissions (2):

Fulgent Genetics
Classification: Pathogenic for Finnish congenital nephrotic syndrome. Last evaluated: 2024-03-18. Review status: criteria provided, single submitter. Criteria: ACMG Guidelines, 2015. Collection method: clinical testing. Allele origin: germline.

Labcorp Genetics (formerly Invitae), Labcorp
Classification: Pathogenic. Last evaluated: 2023-10-22. Review status: criteria provided, single submitter. Criteria: Invitae Variant Classification Sherloc (09022015). Collection method: clinical testing. Allele origin: germline.
Comment: This sequence change affects a donor splice site in intron 11 of the NPHS1 gene. It is expected to disrupt RNA splicing. Variants that disrupt the donor or acceptor splice site typically lead to a loss of protein function (PMID: 16199547), and loss-of-function variants in NPHS1 are known to be pathogenic (PMID: 11317351, 11854170, 12039988). This variant is not present in population databases (gnomAD no frequency). Disruption of this splice site has been observed in individual(s) with congenital nephrotic syndrome (PMID: 25729976). In at least one individual the data is consistent with being in trans (on the opposite chromosome) from a pathogenic variant. Algorithms developed to predict the effect of sequence changes on RNA splicing suggest that this variant may disrupt the consensus splice site. For these reasons, this variant has been classified as Pathogenic.

Literature cited by the submitters: PubMed 16199547 (cited by Labcorp Genetics (formerly Invitae), Labcorp); PubMed 11317351 (cited by Labcorp Genetics (formerly Invitae), Labcorp); PubMed 11854170 (cited by Labcorp Genetics (formerly Invitae), Labcorp); PubMed 12039988 (cited by Labcorp Genetics (formerly Invitae), Labcorp); PubMed 25729976 (cited by Labcorp Genetics (formerly Invitae), Labcorp).